The following is an entry in ClinVar:

ClinVar aggregate classification (germline): Uncertain significance. Review status: criteria provided, single submitter (1 of 4 stars). 2 submissions from 2 submitters: Uncertain significance (1). 1 of the submissions does not count toward it. Last evaluated 2023-11-13.

Conditions:
ASMT-related disorder. Also called: ASMT-related condition.

Allele frequency attached by ClinVar (database versions not stated): ESP Exome Variant Server 0.00085; 1000 Genomes Project 30x 0.01561; 1000 Genomes Project 0.01642.
gnomAD v4.1: 4,954 of 1,595,758 alleles (0.31%); highest among the groups gnomAD compares: South Asian, 3.8%; 126 homozygotes.

Submissions (2):

Revvity Omics, Revvity
Classification: Uncertain significance. Last evaluated: 2023-11-13. Review status: criteria provided, single submitter. Criteria: ACMG Guidelines, 2015. Collection method: clinical testing. Allele origin: germline.

PreventionGenetics, part of Exact Sciences
Classification: Likely benign for ASMT-related condition. Last evaluated: 2021-09-20. Review status: no assertion criteria provided. Collection method: clinical testing. Allele origin: germline. Not counted in ClinVar's aggregate classification.
Comment: This variant is classified as likely benign based on ACMG/AMP sequence variant interpretation guidelines (Richards et al. 2015 PMID: 25741868, with internal and published modifications).

NM_001171038.2(ASMT):c.51C>A (p.Asn17Lys)

Gene: ASMT (acetylserotonin O-methyltransferase; plus strand). Cytogenetic location: Xp22.33.
Variant type: single nucleotide variant.
Coding change: c.51C>A on transcript NM_001171038.2 (MANE Select); coding-DNA position 51, C replaced by A.
Protein change: p.Asn17Lys; replaces asparagine 17 with lysine.
Molecular consequence: missense variant.
Genome position (GRCh38, 1-based): chrX:1,615,250, C>A. VCF-style: chrX-1615250-C-A. GRCh37 (hg19) VCF-style: chrX-1734143-C-A.
Other names: NM_004043.2:c.51C>A; c.51C>A, p.Asn17Lys (NM_001171039.1, NM_001416525.1); short protein forms N17K.
Identifiers: ClinVar variation 2688614 (VCV002688614.3), dbSNP rs17149149, ClinGen allele CA10334626.